The following is an entry in ClinVar:

NM_144991.3(TSPEAR):c.1039C>A (p.Arg347Ser)

Gene: TSPEAR (thrombospondin type laminin G domain and EAR repeats; minus strand). Cytogenetic location: 21q22.3.
Variant type: single nucleotide variant.
Coding change: c.1039C>A on transcript NM_144991.3 (MANE Select); coding-DNA position 1039, C replaced by A.
Protein change: p.Arg347Ser; replaces arginine 347 with serine.
Molecular consequence: missense variant.
Genome position (GRCh38, 1-based): chr21:44,527,402, G>T on the plus strand (C>A on the coding strand, the complement: TSPEAR is on the minus strand). VCF-style: chr21-44527402-G-T. GRCh37 (hg19) VCF-style: chr21-45947285-G-T.
Other names: c.835C>A, p.Arg279Ser (NM_001272037.2); short protein forms R347S, R279S.
Identifiers: ClinVar variation 515185 (VCV000515185.17), dbSNP rs143814541, ClinGen allele CA10056754.
Genomic context (GRCh38, chr21:44,527,402, plus strand): 5'-TGTTCTGATATGAGACGAACTTCTCTTCGGTCCACTTGTAGACGGCGGATGTGGCTTTGC[G>T]ATTGGCTGTGGCCACAAAGAGCCCCACCTGAGGGATGCGGAACACCTCAATGCCCAGGGT-3'
Protein context (NP_659428.2, residues 337-357): QVGLFVATAN[Arg347Ser]KATSAVYKWT

ClinVar aggregate classification (germline): Conflicting classifications of pathogenicity. Review status: criteria provided, conflicting classifications (1 of 4 stars). 5 submissions from 5 submitters: Uncertain significance (1); Benign (3). 1 of the submissions does not count toward it. Last evaluated 2026-02-04.

Conditions:
Inborn genetic diseases. Identifiers: MedGen C0950123, MeSH D030342.
TSPEAR-related disorder. Also called: TSPEAR-related condition.

Allele frequency attached by ClinVar (database versions not stated): gnomAD 0.00035; ESP Exome Variant Server 0.00038; TOPMed 0.00070; ExAC 0.00194; 1000 Genomes Project 30x 0.00250; 1000 Genomes Project 0.00300.
gnomAD v4.1: 2,203 of 1,614,218 alleles (0.14%); highest among the groups gnomAD compares: South Asian, 0.81%; 11 homozygotes.

Submissions (5):

Labcorp Genetics (formerly Invitae), Labcorp
Classification: Benign. Last evaluated: 2026-02-04. Review status: criteria provided, single submitter. Criteria: Invitae Variant Classification Sherloc (09022015). Collection method: clinical testing. Allele origin: germline.

Ambry Genetics
Classification: Uncertain significance for Inborn genetic diseases. Last evaluated: 2023-06-01. Review status: criteria provided, single submitter. Criteria: Ambry Variant Classification Scheme 2023. Collection method: clinical testing. Allele origin: germline.

GeneDx
Classification: Benign. Last evaluated: 2019-06-05. Review status: criteria provided, single submitter. Criteria: GeneDx Variant Classification Process June 2021. Collection method: clinical testing. Allele origin: germline. Affected: yes.

Breakthrough Genomics
Classification: Benign. Review status: criteria provided, single submitter. Criteria: ACMG Guidelines, 2015. Collection method: not provided. Allele origin: germline. Inheritance: Autosomal recessive inheritance. Affected: yes.

PreventionGenetics, part of Exact Sciences
Classification: Benign for TSPEAR-related condition. Last evaluated: 2019-12-09. Review status: no assertion criteria provided. Collection method: clinical testing. Allele origin: germline. Not counted in ClinVar's aggregate classification.
Comment: This variant is classified as benign based on ACMG/AMP sequence variant interpretation guidelines (Richards et al. 2015 PMID: 25741868, with internal and published modifications).